The following is an entry in ClinVar:

ClinVar aggregate classification (germline): Uncertain significance (1 of 4 stars; one submission).

Conditions:
Tay-Sachs disease (TSD). Also called: GM2 gangliosidosis, type 1; Hexosaminidase alpha-subunit deficiency (variant B); Sphingolipidosis, Tay-Sachs; Hexosaminidase A Deficiency; HEXA DEFICIENCY; HEXA Disorders. Identifiers: Orphanet 845, MedGen C0039373, MONDO:0010100, OMIM 272800.

Allele frequency attached by ClinVar (database versions not stated): gnomAD exomes below 0.00001; TOPMed below 0.00001; gnomAD 0.00002.
gnomAD v4.1: 5 of 1,613,954 alleles (0.00031%); highest among the groups gnomAD compares: Admixed American, 0.0017%; no homozygotes.

Submission:

Labcorp Genetics (formerly Invitae), Labcorp
Classification: Uncertain significance for Tay-Sachs disease. Last evaluated: 2018-04-12. Review status: criteria provided, single submitter. Criteria: Invitae Variant Classification Sherloc (09022015). Collection method: clinical testing. Allele origin: germline.
Comment: This sequence change replaces threonine with isoleucine at codon 286 of the HEXA protein (p.Thr286Ile). The threonine residue is moderately conserved and there is a moderate physicochemical difference between threonine and isoleucine. This variant is not present in population databases (ExAC no frequency). This variant has not been reported in the literature in individuals with HEXA-related disease. Algorithms developed to predict the effect of missense changes on protein structure and function do not agree on the potential impact of this missense change (SIFT: "Deleterious"; PolyPhen-2: "Benign"; Align-GVGD: "Class C0"). In summary, the available evidence is currently insufficient to determine the role of this variant in disease. Therefore, it has been classified as a Variant of Uncertain Significance.

NM_000520.6(HEXA):c.857C>T (p.Thr286Ile)

Gene: HEXA (hexosaminidase subunit alpha; minus strand). Cytogenetic location: 15q23.
Variant type: single nucleotide variant.
Coding change: c.857C>T on transcript NM_000520.6 (MANE Select); coding-DNA position 857, C replaced by T.
Protein change: p.Thr286Ile; replaces threonine 286 with isoleucine.
Molecular consequence: missense variant. On other transcripts: non-coding transcript variant (1).
Genome position (GRCh38, 1-based): chr15:72,349,208, G>A on the plus strand (C>T on the coding strand, the complement: HEXA is on the minus strand). VCF-style: chr15-72349208-G-A. GRCh37 (hg19) VCF-style: chr15-72641549-G-A.
Other names: c.890C>T, p.Thr297Ile (NM_001318825.2); short protein forms T286I, T297I.
Identifiers: ClinVar variation 2168978 (VCV002168978.1), dbSNP rs2088663060, ClinGen allele CA393062577.